The following is an entry in ClinVar:

NM_000038.6(APC):c.8128A>C (p.Ser2710Arg)

Gene: APC (APC regulator of Wnt signaling pathway; plus strand). Cytogenetic location: 5q22.2.
Variant type: single nucleotide variant.
Coding change: c.8128A>C on transcript NM_000038.6 (MANE Select); coding-DNA position 8128, A replaced by C.
Protein change: p.Ser2710Arg; replaces serine 2710 with arginine.
Molecular consequence: missense variant.
Genome position (GRCh38, 1-based): chr5:112,843,722, A>C. VCF-style: chr5-112843722-A-C. GRCh37 (hg19) VCF-style: chr5-112179419-A-C.
Other names: c.8128A>C, p.Ser2710Arg (NM_001127510.3, NM_001354895.2); c.8074A>C, p.Ser2692Arg (NM_001127511.3); c.8182A>C, p.Ser2728Arg (NM_001354896.2); c.8158A>C, p.Ser2720Arg (NM_001354897.2); c.8053A>C, p.Ser2685Arg (NM_001354898.2); c.8044A>C, p.Ser2682Arg (NM_001354899.2); c.8005A>C, p.Ser2669Arg (NM_001354900.2); c.7951A>C, p.Ser2651Arg (NM_001354901.2); and 5 more; short protein forms S2692R, S2710R, S2609R, S2550R, S2619R, S2427R, S2651R, S2685R.
Identifiers: ClinVar variation 470130 (VCV000470130.29), dbSNP rs760472102, ClinGen allele CA049954.

ClinVar aggregate classification (germline): Uncertain significance. Review status: criteria provided, multiple submitters, no conflicts (2 of 4 stars). 10 submissions from 10 submitters: Uncertain significance (9). 1 of the submissions does not count toward it. Last evaluated 2026-05-13.

Conditions:
Hereditary cancer-predisposing syndrome. Also called: Tumor predisposition; Hereditary neoplastic syndrome; Neoplastic Syndromes, Hereditary; Hereditary Cancer Syndrome. Identifiers: Orphanet 140162, MedGen C0027672, MeSH D009386, MONDO:0015356.
Classic or attenuated familial adenomatous polyposis. Identifiers: MedGen CN372698, MONDO:0021057.
Familial adenomatous polyposis 1 (FAP1). Also called: POLYPOSIS, ADENOMATOUS INTESTINAL; FAMILIAL ADENOMATOUS POLYPOSIS 1, ATTENUATED. Identifiers: MedGen C2713442, MONDO:0021056, OMIM 175100. Disease mechanism: loss of function.

Allele frequency attached by ClinVar (database versions not stated): ExAC 0.00001; gnomAD exomes below 0.00001; TOPMed 0.00001.

Submissions (10):

Ambry Genetics
Classification: Uncertain significance for Hereditary cancer-predisposing syndrome. Last evaluated: 2026-05-13. Review status: criteria provided, single submitter. Criteria: Ambry Variant Classification Scheme 2023. Collection method: clinical testing. Allele origin: germline.
Comment: The p.S2710R variant (also known as c.8128A>C), located in coding exon 15 of the APC gene, results from an A to C substitution at nucleotide position 8128. The serine at codon 2710 is replaced by arginine, an amino acid with dissimilar properties. This amino acid position is not well conserved in available vertebrate species. In addition, in silico predictors for this gene do not accurately predict pathogenicity. Missense alterations in APC are not a common cause of disease (Spier I et al. Genet Med. 2024 Feb;26(2):100992). Based on the available evidence, the clinical significance of this variant remains unclear.

Quest Diagnostics Nichols Institute San Juan Capistrano
Classification: Uncertain significance. Last evaluated: 2025-10-09. Review status: criteria provided, single submitter. Criteria: Quest Diagnostics criteria. Collection method: clinical testing. Allele origin: unknown.
Comment: The APC c.8128A>C (p.Ser2710Arg) variant has been reported in the published literature in an individual with colorectal cancer (PMID: 19307944 (2009)). The frequency of this variant in the general population (Genome Aggregation Database) is uninformative in the assessment of its pathogenicity. Analysis of this variant using bioinformatics tools for the prediction of the effect of amino acid changes on protein structure and function yielded conflicting predictions that this variant is deleterious or benign. Based on the available information, we are unable to determine the clinical significance of this variant.

Color Diagnostics, LLC DBA Color Health
Classification: Uncertain significance for Hereditary cancer-predisposing syndrome. Last evaluated: 2025-08-27. Review status: criteria provided, single submitter. Criteria: ACMG Guidelines, 2015. Collection method: clinical testing. Allele origin: germline.
Comment: This missense variant replaces serine with arginine at codon 2710 of the APC protein. Computational prediction suggests that this variant may not impact protein structure and function. APC is defined as a gene for which primarily truncating variants are known to cause disease (ClinGen HCCP VCEP). To our knowledge, functional studies have not been reported for this variant. This variant has not been reported in individuals affected with APC-related disorders in the literature. This variant has been identified in 1/251376 chromosomes in the general population by the Genome Aggregation Database (gnomAD). The available evidence is insufficient to determine the role of this variant in disease conclusively. Therefore, this variant is classified as a Variant of Uncertain Significance.

Women's Health and Genetics/Laboratory Corporation of America, LabCorp
Classification: Uncertain significance. Last evaluated: 2025-01-27. Review status: criteria provided, single submitter. Criteria: LabCorp Variant Classification Summary - May 2015. Collection method: clinical testing. Allele origin: germline.
Comment: Variant summary: APC c.8128A>C (p.Ser2710Arg) results in a non-conservative amino acid change located in the EB-1 Binding Domain (IPR009232) of the encoded protein sequence. Three of five in-silico tools predict a benign effect of the variant on protein function. The variant allele was found at a frequency of 4e-06 in 251376 control chromosomes. The available data on variant occurrences in the general population are insufficient to allow any conclusion about variant significance. To our knowledge, no occurrence of c.8128A>C in individuals affected with Familial Adenomatous Polyposis and no experimental evidence demonstrating its impact on protein function have been reported. ClinVar contains an entry for this variant (Variation ID: 470130). Based on the evidence outlined above, the variant was classified as uncertain significance.

Labcorp Genetics (formerly Invitae), Labcorp
Classification: Uncertain significance for Familial adenomatous polyposis 1. Last evaluated: 2024-12-07. Review status: criteria provided, single submitter. Criteria: Invitae Variant Classification Sherloc (09022015). Collection method: clinical testing. Allele origin: germline.
Comment: This sequence change replaces serine, which is neutral and polar, with arginine, which is basic and polar, at codon 2710 of the APC protein (p.Ser2710Arg). This variant is present in population databases (rs760472102, gnomAD 0.006%). This missense change has been observed in individual(s) with colorectal cancer (PMID: 19307944). ClinVar contains an entry for this variant (Variation ID: 470130). Invitae Evidence Modeling of protein sequence and biophysical properties (such as structural, functional, and spatial information, amino acid conservation, physicochemical variation, residue mobility, and thermodynamic stability) indicates that this missense variant is not expected to disrupt APC protein function with a negative predictive value of 95%. In summary, the available evidence is currently insufficient to determine the role of this variant in disease. Therefore, it has been classified as a Variant of Uncertain Significance.

GeneDx
Classification: Uncertain significance. Last evaluated: 2023-12-23. Review status: criteria provided, single submitter. Criteria: GeneDx Variant Classification Process June 2021. Collection method: clinical testing. Allele origin: germline. Affected: yes.
Comment: Not observed at significant frequency in large population cohorts (gnomAD); In silico analysis supports that this missense variant does not alter protein structure/function; Has not been previously published as pathogenic or benign to our knowledge; This variant is associated with the following publications: (PMID: 18199528)

Baylor Genetics
Classification: Uncertain significance for Familial adenomatous polyposis 1. Last evaluated: 2023-08-10. Review status: criteria provided, single submitter. Criteria: ACMG Guidelines, 2015. Collection method: clinical testing. Allele origin: unknown.

All of Us Research Program, National Institutes of Health
Classification: Uncertain significance for Classic or attenuated familial adenomatous polyposis. Last evaluated: 2023-05-16. Review status: criteria provided, single submitter. Criteria: ACMG Guidelines, 2015. Collection method: clinical testing. Allele origin: germline. Inheritance: Autosomal dominant inheritance. Observed: 1 variant allele, 1 heterozygote.
Comment: This missense variant replaces serine with arginine at codon 2710 of the APC protein. Computational prediction suggests that this variant may not impact protein structure and function (internally defined REVEL score threshold <= 0.5, PMID: 27666373). Splice site prediction tools suggest that this variant may not impact RNA splicing. To our knowledge, functional studies have not been performed for this variant. This variant has not been reported in individuals affected with hereditary cancer in the literature. This variant has been identified in 1/251376 chromosomes in the general population by the Genome Aggregation Database (gnomAD). The available evidence is insufficient to determine the role of this variant in disease conclusively. Therefore, this variant is classified as a Variant of Uncertain Significance.

This study involves interpretation of variants in research participants for the purpose of population health screening. Participant phenotype was not available at the time of variant classification. Additional details can be found in publication PMID: 35346344, PMCID: PMC8962531

Myriad Genetics, Inc.
Classification: Uncertain significance for Familial adenomatous polyposis 1. Last evaluated: 2023-02-14. Review status: criteria provided, single submitter. Criteria: Myriad Autosomal Dominant, Autosomal Recessive and X-Linked Classification Criteria (2023). Collection method: clinical testing. Allele origin: unknown.
Comment: This variant is classified as a variant of uncertain significance as there is insufficient evidence to determine its impact on protein function and/or cancer risk.

Counsyl
Classification: Uncertain significance for Familial adenomatous polyposis 1. Last evaluated: 2018-02-02. Review status: no assertion criteria provided. Collection method: clinical testing. Allele origin: unknown. Not counted in ClinVar's aggregate classification.

Literature cited by the submitters: PubMed 19307944 (cited by Quest Diagnostics Nichols Institute San Juan Capistrano and Labcorp Genetics (formerly Invitae), Labcorp).